The following is an entry in ClinVar:

NM_001114753.3(ENG):c.990C>A (p.Cys330Ter)

Gene: ENG (endoglin; minus strand). Cytogenetic location: 9q34.11.
Variant type: single nucleotide variant.
Coding change: c.990C>A on transcript NM_001114753.3 (MANE Select); coding-DNA position 990, C replaced by A.
Protein change: p.Cys330Ter; replaces cysteine 330 with a stop codon.
Molecular consequence: nonsense.
Genome position (GRCh38, 1-based): chr9:127,824,801, G>T on the plus strand (C>A on the coding strand, the complement: ENG is on the minus strand). VCF-style: chr9-127824801-G-T. GRCh37 (hg19) VCF-style: chr9-130587080-G-T.
Other names: c.990C>A, p.Cys330Ter (NM_000118.4, NM_001406715.1); c.444C>A, p.Cys148Ter (NM_001278138.2); short protein forms C330*, C148*.
Identifiers: ClinVar variation 1768569 (VCV001768569.6), dbSNP rs369202854, ClinGen allele CA374981863.

ClinVar aggregate classification (germline): Pathogenic. Review status: criteria provided, multiple submitters, no conflicts (2 of 4 stars). 3 submissions from 3 submitters: Pathogenic (3). Last evaluated 2024-02-23.

Conditions:
Cardiovascular phenotype. Identifiers: MedGen CN230736.
Hereditary hemorrhagic telangiectasia (HHT). Also called: ORW DISEASE; Osler Weber Rendu syndrome; OSLER-RENDU-WEBER DISEASE; Osler hemorrhagic telangiectasia syndrome. Identifiers: Orphanet 774, MedGen C0039445, MONDO:0019180. Disease mechanism: loss of function.
Telangiectasia, hereditary hemorrhagic, type 1 (HHT1). Also called: Osler Weber Rendu syndrome type 1; ENG-Related Hereditary Hemorrhagic Telangiectasia. Identifiers: Orphanet 774, MedGen C4551861, MONDO:0008535, OMIM 187300. Disease mechanism: loss of function.

Submissions (3):

Labcorp Genetics (formerly Invitae), Labcorp
Classification: Pathogenic for Hereditary hemorrhagic telangiectasia. Last evaluated: 2024-02-23. Review status: criteria provided, single submitter. Criteria: Invitae Variant Classification Sherloc (09022015). Collection method: clinical testing. Allele origin: germline.
Comment: This sequence change creates a premature translational stop signal (p.Cys330*) in the ENG gene. It is expected to result in an absent or disrupted protein product. Loss-of-function variants in ENG are known to be pathogenic (PMID: 15879500). This variant is not present in population databases (gnomAD no frequency). This variant has not been reported in the literature in individuals affected with ENG-related conditions. ClinVar contains an entry for this variant (Variation ID: 1768569). For these reasons, this variant has been classified as Pathogenic.

Victorian Clinical Genetics Services, Murdoch Childrens Research Institute
Classification: Pathogenic for Telangiectasia, hereditary hemorrhagic, type 1. Last evaluated: 2023-07-17. Review status: criteria provided, single submitter. Criteria: ACMG Guidelines, 2015. Collection method: clinical testing. Allele origin: germline. Inheritance: Autosomal dominant inheritance. Affected: yes.
Comment: Based on the classification scheme VCGS_Germline_v1.3.4, this variant is classified as Pathogenic. Following criteria are met: 0103 - Dominant negative and loss of function are known mechanisms of disease in this gene and are associated with hereditary haemorrhagic telangiectasia, type 1 (MIM#187300). Pathogenic missense variants have been demonstrated to have dominant negative and loss of function effects while protein truncating variants are associated with a loss of function mechanism (PMIDs:2508034, 25312062). (I) 0107 - This gene is associated with autosomal dominant disease. (I) 0201 - Variant is predicted to cause nonsense-mediated decay (NMD) and loss of protein (premature termination codon is located at least 54 nucleotides upstream of the final exon-exon junction). (SP) 0254 - This variant is suspected mosaic. (I) 0301 - Variant is absent from gnomAD (both v2 and v3). (SP) 0701 - Other null variants comparable to the one identified in this case have very strong previous evidence for pathogenicity. There are at least ten NMD-predicted variants that have been classified as likely pathogenic or pathogenic (DECIPHER). (SP) 0803 - This variant has limited previous evidence of pathogenicity in an unrelated individual. This variant has been classified as pathogenic by one clinical diagnostic laboratory (ClinVar). (SP) 0905 - No published segregation evidence has been identified for this variant. (I) 1007 - No published functional evidence has been identified for this variant. (I) 1208 - Inheritance information for this variant is not currently available in this individual. (I) Legend: (SP) - Supporting pathogenic, (I) - Information, (SB) - Supporting benign

Ambry Genetics
Classification: Pathogenic for Cardiovascular phenotype. Last evaluated: 2021-11-18. Review status: criteria provided, single submitter. Criteria: Ambry Variant Classification Scheme 2023. Collection method: clinical testing. Allele origin: germline.
Comment: The p.C330* pathogenic mutation (also known as c.990C>A), located in coding exon 7 of the ENG gene, results from a C to A substitution at nucleotide position 990. This changes the amino acid from a cysteine to a stop codon within coding exon 7. This alteration is expected to result in loss of function by premature protein truncation or nonsense-mediated mRNA decay. As such, this alteration is interpreted as a disease-causing mutation.

Literature cited by the submitters: PubMed 15879500 (cited by Labcorp Genetics (formerly Invitae), Labcorp); PubMed 25080347 (cited by Victorian Clinical Genetics Services, Murdoch Childrens Research Institute); PubMed 25312062 (cited by Victorian Clinical Genetics Services, Murdoch Childrens Research Institute).